The following is an entry in ClinVar:

NM_021999.5(ITM2B):c.202G>A (p.Val68Ile)

Gene: ITM2B (integral membrane protein 2B; plus strand). Cytogenetic location: 13q14.2.
Variant type: single nucleotide variant.
Coding change: c.202G>A on transcript NM_021999.5 (MANE Select); coding-DNA position 202, G replaced by A.
Protein change: p.Val68Ile; replaces valine 68 with isoleucine.
Molecular consequence: missense variant.
Genome position (GRCh38, 1-based): chr13:48,253,892, G>A. VCF-style: chr13-48253892-G-A. GRCh37 (hg19) VCF-style: chr13-48828028-G-A.
Other names: short protein forms V68I.
Identifiers: ClinVar variation 4822833 (VCV004822833.4).

ClinVar aggregate classification (germline): Uncertain significance (1 of 4 stars; one submission).

gnomAD v4.1: 3 of 1,613,560 alleles (0.00019%); highest among the groups gnomAD compares: Non-Finnish European, 0.00025%; no homozygotes.

Submission:

CeGaT Center for Human Genetics Tuebingen
Classification: Uncertain significance. Last evaluated: 2026-01-01. Review status: criteria provided, single submitter. Criteria: CeGaT Center For Human Genetics Tuebingen Variant Classification Criteria Version 2. Collection method: clinical testing. Allele origin: germline. Affected: yes. Observed: 1 variant allele.
Comment: ITM2B: PM2